The following is an entry in ClinVar:

ClinVar aggregate classification (germline): Uncertain significance (1 of 4 stars; one submission).

Conditions:
Bardet-Biedl syndrome (BBS). Identifiers: Orphanet 110, MedGen C0752166, MONDO:0015229.

gnomAD v4.1: 8 of 1,614,236 alleles (0.0005%); highest among the groups gnomAD compares: Non-Finnish European, 0.00051%; no homozygotes.

Submission:

Labcorp Genetics (formerly Invitae), Labcorp
Classification: Uncertain significance for Bardet-Biedl syndrome. Last evaluated: 2021-08-30. Review status: criteria provided, single submitter. Criteria: Invitae Variant Classification Sherloc (09022015). Collection method: clinical testing. Allele origin: germline.
Comment: This sequence change replaces valine with isoleucine at codon 269 of the BBS12 protein (p.Val269Ile). The valine residue is moderately conserved and there is a small physicochemical difference between valine and isoleucine. This variant is not present in population databases (ExAC no frequency). This variant has not been reported in the literature in individuals affected with BBS12-related conditions. Algorithms developed to predict the effect of missense changes on protein structure and function output the following: SIFT: "Tolerated"; PolyPhen-2: "Benign"; Align-GVGD: "Class C0". The isoleucine amino acid residue is found in multiple mammalian species, which suggests that this missense change does not adversely affect protein function. In summary, the available evidence is currently insufficient to determine the role of this variant in disease. Therefore, it has been classified as a Variant of Uncertain Significance.

NM_152618.3(BBS12):c.805G>A (p.Val269Ile)

Gene: BBS12 (Bardet-Biedl syndrome 12; plus strand). Cytogenetic location: 4q27.
Variant type: single nucleotide variant.
Coding change: c.805G>A on transcript NM_152618.3 (MANE Select); coding-DNA position 805, G replaced by A.
Protein change: p.Val269Ile; replaces valine 269 with isoleucine.
Molecular consequence: missense variant.
Genome position (GRCh38, 1-based): chr4:122,742,697, G>A. VCF-style: chr4-122742697-G-A. GRCh37 (hg19) VCF-style: chr4-123663852-G-A.
Other names: c.805G>A, p.Val269Ile (NM_001178007.2); short protein forms V269I.
Identifiers: ClinVar variation 1499262 (VCV001499262.5), dbSNP rs2150736540, ClinGen allele CA358223736.
Genomic context (GRCh38, chr4:122,742,697, plus strand): 5'-CCAGATGGATTTCAAGAACATGTTACAGCTACTCACAAAACTTACAGATGTAATGATTTG[G>A]TAGAGTTGGCAGTAGGCTTGAGTCATGGAGATCACAGCAGCATGAAGTTAGTAGAAGAAG-3'
Protein context (NP_689831.2, residues 259-279): THKTYRCNDL[Val269Ile]ELAVGLSHGD